The following is an entry in ClinVar:

NM_003816.3(ADAM9):c.996+2dup

Gene: ADAM9 (ADAM metallopeptidase domain 9; plus strand). Cytogenetic location: 8p11.22.
Variant type: Duplication.
Coding change: c.996+2dup on transcript NM_003816.3 (MANE Select); the canonical splice donor site of the intron after coding-DNA position 996, one base duplicated (T; older notation c.996+2dupT).
Molecular consequence: splice donor variant.
Genome position (GRCh38, 1-based): chr8:39,025,886, T duplicated. VCF-style (leftmost placement, unchanged base first): chr8-39025885-G-GT. GRCh37 (hg19) VCF-style: chr8-38883404-G-GT.
Identifiers: ClinVar variation 4717476 (VCV004717476.1).

ClinVar aggregate classification (germline): Uncertain significance (1 of 4 stars; one submission).

Submission:

Labcorp Genetics (formerly Invitae), Labcorp
Classification: Uncertain significance. Last evaluated: 2025-04-19. Review status: criteria provided, single submitter. Criteria: Invitae Variant Classification Sherloc (09022015). Collection method: clinical testing. Allele origin: germline.
Comment: This sequence change falls in intron 10 of the ADAM9 gene. It does not directly change the encoded amino acid sequence of the ADAM9 protein. It affects a nucleotide within the consensus splice site. This variant is not present in population databases (gnomAD no frequency). This variant has not been reported in the literature in individuals affected with ADAM9-related conditions. Variants that disrupt the consensus splice site are a relatively common cause of aberrant splicing (PMID: 17576681, 9536098). Algorithms developed to predict the effect of sequence changes on RNA splicing suggest that this variant may disrupt the consensus splice site. In summary, the available evidence is currently insufficient to determine the role of this variant in disease. Therefore, it has been classified as a Variant of Uncertain Significance.

Literature cited by the submitters: PubMed 17576681; PubMed 9536098.